The following is an entry in ClinVar:

NM_001164508.2(NEB):c.19337A>G (p.Glu6446Gly)

Gene: NEB (nebulin; minus strand). Cytogenetic location: 2q23.3.
Variant type: single nucleotide variant.
Coding change: c.19337A>G on transcript NM_001164508.2 (MANE Select); coding-DNA position 19337, A replaced by G.
Protein change: p.Glu6446Gly; replaces glutamic acid 6446 with glycine.
Molecular consequence: missense variant.
Genome position (GRCh38, 1-based): chr2:151,555,022, T>C on the plus strand (A>G on the coding strand, the complement: NEB is on the minus strand). VCF-style: chr2-151555022-T-C. GRCh37 (hg19) VCF-style: chr2-152411536-T-C.
Other names: c.19337A>G, p.Glu6446Gly (NM_001164507.2, NM_001271208.2); c.14234A>G, p.Glu4745Gly (NM_004543.5); short protein forms E4745G, E6446G.
Identifiers: ClinVar variation 1399999 (VCV001399999.10), dbSNP rs2153666324, ClinGen allele CA348792511.

ClinVar aggregate classification (germline): Uncertain significance. Review status: criteria provided, multiple submitters, no conflicts (2 of 4 stars). 2 submissions from 2 submitters: Uncertain significance (2). Last evaluated 2021-09-25.

Conditions:
Nemaline myopathy 2 (NEM2). Also called: Nemaline myopathy 2, autosomal recessive. Identifiers: MedGen C1850569, MONDO:0009725, OMIM 256030.

gnomAD v4.1: 2 of 1,611,504 alleles (0.00012%); no homozygotes.

Submissions (2):

Labcorp Genetics (formerly Invitae), Labcorp
Classification: Uncertain significance for Nemaline myopathy 2. Last evaluated: 2021-09-25. Review status: criteria provided, single submitter. Criteria: Invitae Variant Classification Sherloc (09022015). Collection method: clinical testing. Allele origin: germline.
Comment: In summary, the available evidence is currently insufficient to determine the role of this variant in disease. Therefore, it has been classified as a Variant of Uncertain Significance. Algorithms developed to predict the effect of missense changes on protein structure and function are either unavailable or do not agree on the potential impact of this missense change (SIFT: "Deleterious"; PolyPhen-2: "Not Available"; Align-GVGD: "Class C0"). This variant has not been reported in the literature in individuals affected with NEB-related conditions. This variant is not present in population databases (ExAC no frequency). This sequence change replaces glutamic acid with glycine at codon 6446 of the NEB protein (p.Glu6446Gly). The glutamic acid residue is moderately conserved and there is a moderate physicochemical difference between glutamic acid and glycine.

Revvity Omics, Revvity
Classification: Uncertain significance. Last evaluated: 2020-12-29. Review status: criteria provided, single submitter. Criteria: ACMG Guidelines, 2015. Collection method: clinical testing. Allele origin: germline.